The following is an entry in ClinVar:

ClinVar aggregate classification (germline): Uncertain significance. Review status: criteria provided, multiple submitters, no conflicts (2 of 4 stars). 2 submissions from 2 submitters: Uncertain significance (2). Last evaluated 2024-12-16.

Conditions:
Primary ciliary dyskinesia. Also called: Ciliary dyskinesia. Identifiers: Orphanet 244, MedGen C0008780, MONDO:0016575, HP:0012265.

Allele frequency attached by ClinVar (database versions not stated): gnomAD exomes 0.00001 and 0.00003; ExAC 0.00004; TOPMed 0.00013; 1000 Genomes Project 30x 0.00016; gnomAD 0.00018 and 0.00019; 1000 Genomes Project 0.00020.

Submissions (2):

Labcorp Genetics (formerly Invitae), Labcorp
Classification: Uncertain significance for Primary ciliary dyskinesia. Last evaluated: 2024-12-16. Review status: criteria provided, single submitter. Criteria: Invitae Variant Classification Sherloc (09022015). Collection method: clinical testing. Allele origin: germline.
Comment: This sequence change replaces glutamic acid, which is acidic and polar, with lysine, which is basic and polar, at codon 602 of the DNAI2 protein (p.Glu602Lys). This variant is present in population databases (rs532046902, gnomAD 0.06%). This variant has not been reported in the literature in individuals affected with DNAI2-related conditions. ClinVar contains an entry for this variant (Variation ID: 1504692). Invitae Evidence Modeling of protein sequence and biophysical properties (such as structural, functional, and spatial information, amino acid conservation, physicochemical variation, residue mobility, and thermodynamic stability) has been performed for this missense variant. However, the output from this modeling did not meet the statistical confidence thresholds required to predict the impact of this variant on DNAI2 protein function. In summary, the available evidence is currently insufficient to determine the role of this variant in disease. Therefore, it has been classified as a Variant of Uncertain Significance.

Ambry Genetics
Classification: Uncertain significance for Primary ciliary dyskinesia. Last evaluated: 2024-10-07. Review status: criteria provided, single submitter. Criteria: Ambry Variant Classification Scheme 2023. Collection method: clinical testing. Allele origin: germline.
Comment: The p.E602K variant (also known as c.1804G>A), located in coding exon 12 of the DNAI2 gene, results from a G to A substitution at nucleotide position 1804. The glutamic acid at codon 602 is replaced by lysine, an amino acid with similar properties. This amino acid position is conserved. In addition, this alteration is predicted to be tolerated by in silico analysis. Based on the available evidence, the clinical significance of this variant remains unclear.

NM_023036.6(DNAI2):c.1804G>A (p.Glu602Lys)

Gene: DNAI2 (dynein axonemal intermediate chain 2; plus strand). Cytogenetic location: 17q25.1.
Variant type: single nucleotide variant.
Coding change: c.1804G>A on transcript NM_023036.6 (MANE Select); coding-DNA position 1804, G replaced by A.
Protein change: p.Glu602Lys; replaces glutamic acid 602 with lysine.
Molecular consequence: missense variant. On other transcripts: non-coding transcript variant (1).
Genome position (GRCh38, 1-based): chr17:74,314,202, G>A. VCF-style: chr17-74314202-G-A. GRCh37 (hg19) VCF-style: chr17-72310341-G-A.
Other names: c.1804G>A (NM_023036.4); c.1768G>A, p.Glu590Lys (NM_001172810.3); c.1936G>A, p.Glu646Lys (NM_001353167.2); short protein forms E590K, E602K, E646K.
Identifiers: ClinVar variation 1504692 (VCV001504692.5), dbSNP rs532046902, ClinGen allele CA8745926.